The following is an entry in ClinVar:

ClinVar aggregate classification (germline): Uncertain significance (1 of 4 stars; one submission).

Conditions:
Inborn genetic diseases. Identifiers: MedGen C0950123, MeSH D030342.

gnomAD v4.1: 1 of 1,614,204 alleles (0.000062%); highest among the groups gnomAD compares: Non-Finnish European, 0.000085%; no homozygotes.

Submission:

Ambry Genetics
Classification: Uncertain significance for Inborn genetic diseases. Last evaluated: 2026-04-26. Review status: criteria provided, single submitter. Criteria: Ambry Variant Classification Scheme 2023. Collection method: clinical testing. Allele origin: germline.
Comment: The p.H245N variant (also known as c.733C>A), located in coding exon 6 of the PAX5 gene, results from a C to A substitution at nucleotide position 733. The histidine at codon 245 is replaced by asparagine, an amino acid with similar properties. This amino acid position is conserved. In addition, this alteration is predicted to be deleterious by in silico analysis. Based on the available evidence, the clinical significance of this variant remains unclear.

NM_016734.3(PAX5):c.733C>A (p.His245Asn)

Gene: PAX5 (paired box 5; minus strand). Cytogenetic location: 9p13.2.
Variant type: single nucleotide variant.
Coding change: c.733C>A on transcript NM_016734.3 (MANE Select); coding-DNA position 733, C replaced by A.
Protein change: p.His245Asn; replaces histidine 245 with asparagine.
Molecular consequence: missense variant. On other transcripts: non-coding transcript variant (2).
Genome position (GRCh38, 1-based): chr9:36,966,596, G>T on the plus strand (C>A on the coding strand, the complement: PAX5 is on the minus strand). VCF-style: chr9-36966596-G-T. GRCh37 (hg19) VCF-style: chr9-36966593-G-T.
Other names: c.733C>A, p.His245Asn (NM_001280547.2, NM_001280548.2, NM_001280549.2 and 2 more transcripts); c.409C>A, p.His137Asn (NM_001280551.2, NM_001280556.2); c.604C>A, p.His202Asn (NM_001280553.2, NM_001280554.2); c.535C>A, p.His179Asn (NM_001280555.2); short protein forms H137N, H179N, H202N, H245N.
Identifiers: ClinVar variation 4861610 (VCV004861610.1).